The following is an entry in ClinVar:

ClinVar aggregate classification (germline): Pathogenic (1 of 4 stars; one submission).

Conditions:
Nemaline myopathy 2 (NEM2). Also called: Nemaline myopathy 2, autosomal recessive. Identifiers: MedGen C1850569, MONDO:0009725, OMIM 256030.

gnomAD v4.1: 1 of 1,613,892 alleles (0.000062%); highest among the groups gnomAD compares: South Asian, 0.0011%; no homozygotes.

Submission:

Myriad Genetics, Inc.
Classification: Pathogenic for Nemaline myopathy 2. Last evaluated: 2025-02-02. Review status: criteria provided, single submitter. Criteria: Myriad Autosomal Dominant, Autosomal Recessive and X-Linked Classification Criteria (2023). Collection method: clinical testing. Allele origin: unknown.
Comment: NM_001271208.1(NEB):c.4825C>T(Q1609*) is expected to be pathogenic in the context of NEB-related nemaline myopathy. This variant is predicted to lead to an abnormal or absent protein product due to the creation of a premature termination codon in NEB, a gene where loss-of-function variants are known to be pathogenic. Please note: this variant was assessed in the context of healthy population screening.

NM_001164508.2(NEB):c.4825C>T (p.Gln1609Ter)

Gene: NEB (nebulin; minus strand). Cytogenetic location: 2q23.3.
Variant type: single nucleotide variant.
Coding change: c.4825C>T on transcript NM_001164508.2 (MANE Select); coding-DNA position 4825, C replaced by T.
Protein change: p.Gln1609Ter; replaces glutamine 1609 with a stop codon.
Molecular consequence: nonsense.
Genome position (GRCh38, 1-based): chr2:151,666,296, G>A on the plus strand (C>T on the coding strand, the complement: NEB is on the minus strand). VCF-style: chr2-151666296-G-A. GRCh37 (hg19) VCF-style: chr2-152522810-G-A.
Other names: c.4825C>T, p.Gln1609Ter (NM_001164507.2, NM_001271208.2, NM_004543.5); short protein forms Q1609*.
Identifiers: ClinVar variation 5014051 (VCV005014051.1).
Genomic context (GRCh38, chr2:151,666,296, plus strand): 5'-GAGGTGTGTGGTACTTGGTCTTGCTGGCTTCATAGCCCTTTTTGTACTCACGATCAGACT[G>A]GATTTTGGCCACATTCATGTAGTGAACCAGTTTAGGATCATCCTGAAGACTGAGAAATCC-3'